The following is an entry in ClinVar:

NM_003924.4(PHOX2B):c.809G>T (p.Gly270Val)

Gene: PHOX2B (paired like homeobox 2B; minus strand). Cytogenetic location: 4p13.
Variant type: single nucleotide variant.
Coding change: c.809G>T on transcript NM_003924.4 (MANE Select); coding-DNA position 809, G replaced by T.
Protein change: p.Gly270Val; replaces glycine 270 with valine.
Molecular consequence: missense variant.
Genome position (GRCh38, 1-based): chr4:41,745,943, C>A on the plus strand (G>T on the coding strand, the complement: PHOX2B is on the minus strand). VCF-style: chr4-41745943-C-A. GRCh37 (hg19) VCF-style: chr4-41747960-C-A.
Other names: short protein forms G270V.
Identifiers: ClinVar variation 648649 (VCV000648649.14), dbSNP rs1577558821, ClinGen allele CA356737101.

ClinVar aggregate classification (germline): Uncertain significance. Review status: criteria provided, multiple submitters, no conflicts (2 of 4 stars). 3 submissions from 3 submitters: Uncertain significance (3). Last evaluated 2026-02-23.

Conditions:
Hereditary cancer-predisposing syndrome. Also called: Neoplastic Syndromes, Hereditary; Hereditary neoplastic syndrome; Tumor predisposition; Hereditary Cancer Syndrome. Identifiers: Orphanet 140162, MedGen C0027672, MeSH D009386, MONDO:0015356.
Haddad syndrome (OHD). Also called: Ondine-Hirschsprung disease. Identifiers: Orphanet 99803, MedGen C1859049, MONDO:0020493.

Submissions (3):

Ambry Genetics
Classification: Uncertain significance for Hereditary cancer-predisposing syndrome. Last evaluated: 2026-02-23. Review status: criteria provided, single submitter. Criteria: Ambry Variant Classification Scheme 2023. Collection method: clinical testing. Allele origin: germline.
Comment: The p.G270V variant (also known as c.809G>T), located in coding exon 3 of the PHOX2B gene, results from a G to T substitution at nucleotide position 809. The glycine at codon 270 is replaced by valine, an amino acid with dissimilar properties. This amino acid position is conserved. In addition, the in silico prediction for this alteration is inconclusive. Based on the available evidence, the clinical significance of this variant remains unclear.

Labcorp Genetics (formerly Invitae), Labcorp
Classification: Uncertain significance for Haddad syndrome. Last evaluated: 2022-11-01. Review status: criteria provided, single submitter. Criteria: Invitae Variant Classification Sherloc (09022015). Collection method: clinical testing. Allele origin: germline.
Comment: This sequence change replaces glycine, which is neutral and non-polar, with valine, which is neutral and non-polar, at codon 270 of the PHOX2B protein (p.Gly270Val). This variant is not present in population databases (gnomAD no frequency). This variant has not been reported in the literature in individuals affected with PHOX2B-related conditions. ClinVar contains an entry for this variant (Variation ID: 648649). Algorithms developed to predict the effect of missense changes on protein structure and function are either unavailable or do not agree on the potential impact of this missense change (SIFT: "Tolerated"; PolyPhen-2: "Not Available"; Align-GVGD: "Class C0"). In summary, the available evidence is currently insufficient to determine the role of this variant in disease. Therefore, it has been classified as a Variant of Uncertain Significance.

Revvity Omics, Revvity
Classification: Uncertain significance. Last evaluated: 2022-07-15. Review status: criteria provided, single submitter. Criteria: ACMG Guidelines, 2015. Collection method: clinical testing. Allele origin: germline.